The following is an entry in ClinVar:

NM_017780.4(CHD7):c.6061A>G (p.Met2021Val)

Gene: CHD7 (chromodomain helicase DNA binding protein 7; plus strand). Cytogenetic location: 8q12.2.
Variant type: single nucleotide variant.
Coding change: c.6061A>G on transcript NM_017780.4 (MANE Select); coding-DNA position 6061, A replaced by G.
Protein change: p.Met2021Val; replaces methionine 2021 with valine.
Molecular consequence: missense variant. On other transcripts: intron variant (1).
Genome position (GRCh38, 1-based): chr8:60,852,664, A>G. VCF-style: chr8-60852664-A-G. GRCh37 (hg19) VCF-style: chr8-61765223-A-G.
Other names: c.1717-9565A>G (NM_001316690.1); short protein forms M2021V.
Identifiers: ClinVar variation 4002172 (VCV004002172.2).
Genomic context (GRCh38, chr8:60,852,664, plus strand): 5'-GCCAGGCTTGACAAAAAATCTGATGAGAGTTTGGAGAAATACTTCAGTTGTTTTGTGGCC[A>G]TGTGTAGGCGAGTATGTCGAATGCCCGTCAAGCCAGATGATGGTAGGTACATTTAGCAAC-3'
Protein context (NP_060250.2, residues 2011-2031): LEKYFSCFVA[Met2021Val]CRRVCRMPVK

ClinVar aggregate classification (germline): Uncertain significance (1 of 4 stars; one submission).

Conditions:
Inborn genetic diseases. Identifiers: MedGen C0950123, MeSH D030342.

Submission:

Ambry Genetics
Classification: Uncertain significance for Inborn genetic diseases. Last evaluated: 2025-08-12. Review status: criteria provided, single submitter. Criteria: Ambry Variant Classification Scheme 2023. Collection method: clinical testing. Allele origin: germline.
Comment: The c.6061A>G (p.M2021V) alteration is located in exon 30 (coding exon 29) of the CHD7 gene. This alteration results from a A to G substitution at nucleotide position 6061, causing the methionine (M) at amino acid position 2021 to be replaced by a valine (V). This variant was not reported in population-based cohorts in the Genome Aggregation Database (gnomAD). This amino acid position is highly conserved in available vertebrate species. This alteration is predicted to be deleterious by in silico analysis. Based on insufficient or conflicting evidence, the clinical significance of this alteration remains unclear.